The following is an entry in ClinVar:

ClinVar aggregate classification (germline): Uncertain significance (1 of 4 stars; one submission).

Conditions:
Hereditary cancer-predisposing syndrome. Also called: Hereditary neoplastic syndrome; Neoplastic Syndromes, Hereditary; Tumor predisposition; Hereditary Cancer Syndrome. Identifiers: Orphanet 140162, MedGen C0027672, MeSH D009386, MONDO:0015356.

Submission:

Ambry Genetics
Classification: Uncertain significance for Hereditary cancer-predisposing syndrome. Last evaluated: 2025-08-27. Review status: criteria provided, single submitter. Criteria: Ambry Variant Classification Scheme 2023. Collection method: clinical testing. Allele origin: germline.
Comment: The p.E331Q variant (also known as c.991G>C), located in coding exon 11 of the MUTYH gene, results from a G to C substitution at nucleotide position 991. The glutamic acid at codon 331 is replaced by glutamine, an amino acid with highly similar properties. This amino acid position is conserved. In addition, this alteration is predicted to be tolerated by in silico analysis. Based on the available evidence, the clinical significance of this variant remains unclear.

NM_001048174.2(MUTYH):c.907G>C (p.Glu303Gln)

Gene: MUTYH (mutY DNA glycosylase; minus strand). Cytogenetic location: 1p34.1.
Variant type: single nucleotide variant.
Coding change: c.907G>C on transcript NM_001048174.2 (MANE Select); coding-DNA position 907, G replaced by C.
Protein change: p.Glu303Gln; replaces glutamic acid 303 with glutamine.
Molecular consequence: missense variant. On other transcripts: non-coding transcript variant (7).
Genome position (GRCh38, 1-based): chr1:45,332,029, C>G on the plus strand (G>C on the coding strand, the complement: MUTYH is on the minus strand). VCF-style: chr1-45332029-C-G. GRCh37 (hg19) VCF-style: chr1-45797701-C-G.
Other names: c.907G>C, p.Glu303Gln (NM_001048171.2, NM_001048173.2, NM_001293195.2 and 6 more transcripts); c.910G>C, p.Glu304Gln (NM_001048172.2, NM_001407078.1, NM_001407086.1 and 1 more transcripts); c.991G>C, p.Glu331Gln (NM_001128425.2); c.952G>C, p.Glu318Gln (NM_001293190.2); c.940G>C, p.Glu314Gln (NM_001293191.2, NM_001407077.1, NM_001407069.1); c.631G>C, p.Glu211Gln (NM_001293192.2, NM_001293196.2, NM_001407091.1); c.868G>C, p.Glu290Gln (NM_001407079.1); c.865G>C, p.Glu289Gln (NM_001407080.1); and 5 more; short protein forms E310Q, E328Q, E188Q, E211Q, E290Q, E304Q, E314Q, E331Q.
Identifiers: ClinVar variation 4113992 (VCV004113992.1).